The following is an entry in ClinVar:

ClinVar aggregate classification (germline): Uncertain significance (1 of 4 stars; one submission).

Submission:

Labcorp Genetics (formerly Invitae), Labcorp
Classification: Uncertain significance. Last evaluated: 2024-11-11. Review status: criteria provided, single submitter. Criteria: Invitae Variant Classification Sherloc (09022015). Collection method: clinical testing. Allele origin: germline.
Comment: This sequence change replaces phenylalanine, which is neutral and non-polar, with isoleucine, which is neutral and non-polar, at codon 298 of the TFRC protein (p.Phe298Ile). This variant is not present in population databases (gnomAD no frequency). This variant has not been reported in the literature in individuals affected with TFRC-related conditions. ClinVar contains an entry for this variant (Variation ID: 2735764). Invitae Evidence Modeling of protein sequence and biophysical properties (such as structural, functional, and spatial information, amino acid conservation, physicochemical variation, residue mobility, and thermodynamic stability) indicates that this missense variant is expected to disrupt TFRC protein function with a positive predictive value of 80%. In summary, the available evidence is currently insufficient to determine the role of this variant in disease. Therefore, it has been classified as a Variant of Uncertain Significance.

NM_001128148.3(TFRC):c.892T>A (p.Phe298Ile)

Gene: TFRC (transferrin receptor; minus strand). Cytogenetic location: 3q29.
Variant type: single nucleotide variant.
Coding change: c.892T>A on transcript NM_001128148.3 (MANE Select); coding-DNA position 892, T replaced by A.
Protein change: p.Phe298Ile; replaces phenylalanine 298 with isoleucine.
Molecular consequence: missense variant.
Genome position (GRCh38, 1-based): chr3:196,068,040, A>T on the plus strand (T>A on the coding strand, the complement: TFRC is on the minus strand). VCF-style: chr3-196068040-A-T. GRCh37 (hg19) VCF-style: chr3-195794911-A-T.
Other names: c.649T>A, p.Phe217Ile (NM_001313965.2); c.46T>A, p.Phe16Ile (NM_001313966.2); c.892T>A, p.Phe298Ile (NM_003234.4); short protein forms F217I, F16I, F298I.
Identifiers: ClinVar variation 2735764 (VCV002735764.3), dbSNP rs2473974786, ClinGen allele CA355573812.
Genomic context (GRCh38, chr3:196,068,040, plus strand): 5'-CAAGAACAACTCAAGGAACTCAAAACGGTGATTTACTCAAGAAATAACTCACATGTCCAA[A>T]GAATGAAAGTTCTGCGTTAACAATGGGAAATTTAGTCTGGTCCATGTATATCAACACACC-3'
Protein context (NP_001121620.1, residues 288-308): FPIVNAELSF[Phe298Ile]GHAHLGTGDP